The following is an entry in ClinVar:

ClinVar aggregate classification (germline): Uncertain significance. Review status: criteria provided, multiple submitters, no conflicts (2 of 4 stars). 3 submissions from 3 submitters: Uncertain significance (3). Last evaluated 2025-09-16.

Allele frequency attached by ClinVar (database versions not stated): ExAC 0.00008; gnomAD 0.00015; TOPMed 0.00018; ESP Exome Variant Server 0.00023.
gnomAD v4.1: 78 of 1,614,046 alleles (0.0048%); highest among the groups gnomAD compares: African/African-American, 0.056%; no homozygotes.

Submissions (3):

Labcorp Genetics (formerly Invitae), Labcorp
Classification: Uncertain significance. Last evaluated: 2025-09-16. Review status: criteria provided, single submitter. Criteria: Invitae Variant Classification Sherloc (09022015). Collection method: clinical testing. Allele origin: germline.
Comment: This sequence change replaces arginine, which is basic and polar, with histidine, which is basic and polar, at codon 677 of the SPTB protein (p.Arg677His). This variant is present in population databases (rs138774947, gnomAD 0.07%). This variant has not been reported in the literature in individuals affected with SPTB-related conditions. ClinVar contains an entry for this variant (Variation ID: 2436446). An algorithm developed to predict the effect of missense changes on protein structure and function (PolyPhen-2) suggests that this variant is likely to be disruptive. In summary, the available evidence is currently insufficient to determine the role of this variant in disease. Therefore, it has been classified as a Variant of Uncertain Significance.

ARUP Laboratories, Molecular Genetics and Genomics, ARUP Laboratories
Classification: Uncertain significance. Last evaluated: 2025-05-09. Review status: criteria provided, single submitter. Criteria: ARUP Molecular Germline Variant Investigation Process 2024. Collection method: clinical testing. Allele origin: germline.
Comment: The SPTB c.2030G>A; p.Arg677His variant (rs138774947), to our knowledge, is not reported in the medical literature but is reported in ClinVar (Variation ID: 2436446). This variant is found in the African/African-American population with an allele frequency of 0.06% (16/24926 alleles) in the Genome Aggregation Database (v2.1.1). Computational analyses are uncertain whether this variant is neutral or deleterious (REVEL: 0.217). Due to limited information, the clinical significance of this variant is uncertain at this time.

Revvity Omics, Revvity
Classification: Uncertain significance. Last evaluated: 2021-06-23. Review status: criteria provided, single submitter. Criteria: ACMG Guidelines, 2015. Collection method: clinical testing. Allele origin: germline.

NM_001355436.2(SPTB):c.2030G>A (p.Arg677His)

Gene: SPTB (spectrin beta, erythrocytic; minus strand). Cytogenetic location: 14q23.3.
Variant type: single nucleotide variant.
Coding change: c.2030G>A on transcript NM_001355436.2 (MANE Select); coding-DNA position 2030, G replaced by A.
Protein change: p.Arg677His; replaces arginine 677 with histidine.
Molecular consequence: missense variant.
Genome position (GRCh38, 1-based): chr14:64,793,633, C>T on the plus strand (G>A on the coding strand, the complement: SPTB is on the minus strand). VCF-style: chr14-64793633-C-T. GRCh37 (hg19) VCF-style: chr14-65260351-C-T.
Other names: c.2030G>A, p.Arg677His (NM_001024858.4, NM_001355437.2); short protein forms R677H.
Identifiers: ClinVar variation 2436446 (VCV002436446.5), dbSNP rs138774947, ClinGen allele CA7230963.
Genomic context (GRCh38, chr14:64,793,633, plus strand): 5'-AAGATCTGCTCCAGGTGAGCATCCAGCCCACGGAGCTCATCCTCAAAGGCCTTGTGCTTG[C>T]GCTGTAAGATGAGCACACTGGTCAGGTCTTTGCCATAGTCCAGGGAAGAATAGATCTGCT-3'
Protein context (NP_001342365.1, residues 667-687): KDLTSVLILQ[Arg677His]KHKAFEDELR